The following is an entry in ClinVar:

NM_001287.6(CLCN7):c.1039G>A (p.Gly347Arg)

Gene: CLCN7 (chloride voltage-gated channel 7; minus strand). Cytogenetic location: 16p13.3.
Variant type: single nucleotide variant.
Coding change: c.1039G>A on transcript NM_001287.6 (MANE Select); coding-DNA position 1039, G replaced by A.
Protein change: p.Gly347Arg; replaces glycine 347 with arginine.
Molecular consequence: missense variant.
Genome position (GRCh38, 1-based): chr16:1,455,193, C>T on the plus strand (G>A on the coding strand, the complement: CLCN7 is on the minus strand). VCF-style: chr16-1455193-C-T. GRCh37 (hg19) VCF-style: chr16-1505194-C-T.
Other names: c.967G>A, p.Gly323Arg (NM_001114331.3); short protein forms G323R, G347R.
Identifiers: ClinVar variation 2736270 (VCV002736270.3), dbSNP rs2505830950, ClinGen allele CA394189801.

ClinVar aggregate classification (germline): Uncertain significance (1 of 4 stars; one submission).

gnomAD v4.1: 7 of 1,613,918 alleles (0.00043%); highest among the groups gnomAD compares: Non-Finnish European, 0.00059%; no homozygotes.

Submission:

Labcorp Genetics (formerly Invitae), Labcorp
Classification: Uncertain significance. Last evaluated: 2024-05-29. Review status: criteria provided, single submitter. Criteria: Invitae Variant Classification Sherloc (09022015). Collection method: clinical testing. Allele origin: germline.
Comment: This sequence change replaces glycine, which is neutral and non-polar, with arginine, which is basic and polar, at codon 347 of the CLCN7 protein (p.Gly347Arg). This variant is not present in population databases (gnomAD no frequency). This missense change has been observed in individual(s) with autosomal dominant osteopetrosis (PMID: 26395888). Advanced modeling of protein sequence and biophysical properties (such as structural, functional, and spatial information, amino acid conservation, physicochemical variation, residue mobility, and thermodynamic stability) performed at Invitae indicates that this missense variant is expected to disrupt CLCN7 protein function with a positive predictive value of 95%. Algorithms developed to predict the effect of sequence changes on RNA splicing suggest that this variant may disrupt the consensus splice site. In summary, the available evidence is currently insufficient to determine the role of this variant in disease. Therefore, it has been classified as a Variant of Uncertain Significance.

Literature cited by the submitters: PubMed 26395888.